The following is an entry in ClinVar:

NM_001174150.2(ARL13B):c.89A>G (p.Asp30Gly)

Gene: ARL13B (ARF like GTPase 13B; plus strand). Cytogenetic location: 3q11.1.
Variant type: single nucleotide variant.
Coding change: c.89A>G on transcript NM_001174150.2 (MANE Select); coding-DNA position 89, A replaced by G.
Protein change: p.Asp30Gly; replaces aspartic acid 30 with glycine.
Molecular consequence: missense variant. On other transcripts: 5 prime UTR variant (1), non-coding transcript variant (2), intron variant (2).
Genome position (GRCh38, 1-based): chr3:93,995,903, A>G. VCF-style: chr3-93995903-A-G. GRCh37 (hg19) VCF-style: chr3-93714747-A-G.
Other names: p.Asp30Gly; c.-79A>G (NM_001321328.2); c.89A>G, p.Asp30Gly (NM_001410782.1, NM_182896.3); c.-179-7756A>G (NM_001174151.2); c.59+15421A>G (NM_144996.4); short protein forms D30G.
Identifiers: ClinVar variation 3235123 (VCV003235123.2), dbSNP rs2471926773, ClinGen allele CA353675197.

ClinVar aggregate classification (germline): Uncertain significance (1 of 4 stars; one submission).

Conditions:
Joubert syndrome 8 (JBTS8). Identifiers: Orphanet 475, MedGen C2676771, MONDO:0012855, OMIM 612291.

Submission:

Foundation for Research in Genetics and Endocrinology, FRIGE's Institute of Human Genetics
Classification: Uncertain significance for Joubert syndrome 8. Last evaluated: 2024-05-06. Review status: criteria provided, single submitter. Criteria: ACMG Guidelines, 2015. Collection method: clinical testing. Allele origin: germline. Inheritance: Autosomal recessive inheritance. Affected: yes. Observed: 1 homozygote.
Comment: A homozygous missense variant in exon 2 of the ARL13B gene (chr3:g.93995903A>G; Depth: 55x) that results in the amino acid substitution of Glycine for Aspartic acid at codon 30 (p.Asp30Gly; ENST00000394222.8) was detected. The observed variant has not been reported in the 1000 genomes, gnomAD and topmed databases. The in-silico prediction of the variant are damaging by PolyPhen-2 (HumDiv), SIFT and LRT. The reference codon is conserved across species.